The following is an entry in ClinVar:

ClinVar aggregate classification (germline): Uncertain significance. Review status: criteria provided, multiple submitters, no conflicts (2 of 4 stars). 2 submissions from 2 submitters: Uncertain significance (2). Last evaluated 2024-10-30.

Conditions:
Inborn genetic diseases. Identifiers: MedGen C0950123, MeSH D030342.
Predisposition to invasive fungal disease due to CARD9 deficiency (IMD103). Also called: IMMUNODEFICIENCY 103, SUSCEPTIBILITY TO FUNGAL INFECTIONS; CARD9 IMMUNODEFICIENCY; Candidiasis, familial, 2, autosomal recessive. Identifiers: Orphanet 457088, MedGen C1859353, MONDO:0008905, OMIM 212050.

Allele frequency attached by ClinVar (database versions not stated): ExAC 0.00001.
gnomAD v4.1: 5 of 1,612,596 alleles (0.00031%); highest among the groups gnomAD compares: Middle Eastern, 0.066%; no homozygotes.

Submissions (2):

Labcorp Genetics (formerly Invitae), Labcorp
Classification: Uncertain significance for Predisposition to invasive fungal disease due to CARD9 deficiency. Last evaluated: 2024-10-30. Review status: criteria provided, single submitter. Criteria: Invitae Variant Classification Sherloc (09022015). Collection method: clinical testing. Allele origin: germline.
Comment: This sequence change replaces tyrosine, which is neutral and polar, with histidine, which is basic and polar, at codon 4 of the CARD9 protein (p.Tyr4His). This variant is present in population databases (rs775128842, gnomAD no frequency). This variant has not been reported in the literature in individuals affected with CARD9-related conditions. ClinVar contains an entry for this variant (Variation ID: 834840). An algorithm developed to predict the effect of missense changes on protein structure and function (PolyPhen-2) suggests that this variant is likely to be disruptive. In summary, the available evidence is currently insufficient to determine the role of this variant in disease. Therefore, it has been classified as a Variant of Uncertain Significance.

Ambry Genetics
Classification: Uncertain significance for Inborn genetic diseases. Last evaluated: 2024-09-26. Review status: criteria provided, single submitter. Criteria: Ambry Variant Classification Scheme 2023. Collection method: clinical testing. Allele origin: germline.

NM_052813.5(CARD9):c.10T>C (p.Tyr4His)

Gene: CARD9 (caspase recruitment domain family member 9; minus strand). Cytogenetic location: 9q34.3.
Variant type: single nucleotide variant.
Coding change: c.10T>C on transcript NM_052813.5 (MANE Select); coding-DNA position 10, T replaced by C.
Protein change: p.Tyr4His; replaces tyrosine 4 with histidine.
Molecular consequence: missense variant.
Genome position (GRCh38, 1-based): chr9:136,372,069, A>G on the plus strand (T>C on the coding strand, the complement: CARD9 is on the minus strand). VCF-style: chr9-136372069-A-G. GRCh37 (hg19) VCF-style: chr9-139266521-A-G.
Other names: c.10T>C, p.Tyr4His (NM_052814.4); short protein forms Y4H.
Identifiers: ClinVar variation 834840 (VCV000834840.9), dbSNP rs775128842, ClinGen allele CA5333275.